The following is an entry in ClinVar:

ClinVar aggregate classification (germline): Uncertain significance (1 of 4 stars; one submission).

Conditions:
Werner syndrome (WRN). Identifiers: Orphanet 902, MedGen C0043119, MONDO:0010196, OMIM 277700.

Submission:

Labcorp Genetics (formerly Invitae), Labcorp
Classification: Uncertain significance for Werner syndrome. Last evaluated: 2020-07-26. Review status: criteria provided, single submitter. Criteria: Invitae Variant Classification Sherloc (09022015). Collection method: clinical testing. Allele origin: germline.
Comment: In summary, the available evidence is currently insufficient to determine the role of this variant in disease. Therefore, it has been classified as a Variant of Uncertain Significance. Experimental studies and prediction algorithms are not available or were not evaluated, and the functional significance of this variant is currently unknown. This variant has not been reported in the literature in individuals with WRN-related conditions. This variant results in a copy number gain of the genomic region encompassing exon(s) 2-11 of the WRN gene, which includes the initiator codon. The 5' end of this event is unknown as it extends beyond the assayed region for this gene and therefore may encompass additional genes. The 3' boundary is likely confined to intron 11 of the WRN gene. As the precise location of this event is unknown, it may be in tandem or it may be located elsewhere in the genome.

NC_000008.10:g.(?_30915964)_(30942772_?)dup

Gene: WRN (WRN RecQ like helicase; plus strand). Cytogenetic location: 8p12.
Variant type: Duplication.
Identifiers: ClinVar variation 1056028 (VCV001056028.5).